The following is an entry in ClinVar:

NM_001303256.3(MORC2):c.176G>A (p.Arg59Gln)

Gene: MORC2 (MORC family CW-type zinc finger 2; minus strand). Cytogenetic location: 22q12.2.
Variant type: single nucleotide variant.
Coding change: c.176G>A on transcript NM_001303256.3 (MANE Select); coding-DNA position 176, G replaced by A.
Protein change: p.Arg59Gln; replaces arginine 59 with glutamine.
Molecular consequence: missense variant. On other transcripts: 5 prime UTR variant (1).
Genome position (GRCh38, 1-based): chr22:30,950,427, C>T on the plus strand (G>A on the coding strand, the complement: MORC2 is on the minus strand). VCF-style: chr22-30950427-C-T. GRCh37 (hg19) VCF-style: chr22-31346413-C-T.
Other names: p.Arg59Gln; c.176G>A, p.Arg59Gln (NM_001303257.2); c.-11G>A (NM_014941.3); short protein forms R59Q.
Identifiers: ClinVar variation 968458 (VCV000968458.24), dbSNP rs781481050, ClinGen allele CA10187355.

ClinVar aggregate classification (germline): Conflicting classifications of pathogenicity. Review status: criteria provided, conflicting classifications (1 of 4 stars). 3 submissions from 3 submitters: Uncertain significance (2); Likely benign (1). Last evaluated 2025-08-24.

Conditions:
Charcot-Marie-Tooth disease axonal type 2Z. Also called: CHARCOT-MARIE-TOOTH DISEASE, AXONAL, AUTOSOMAL DOMINANT, TYPE 2Z; CHARCOT-MARIE-TOOTH NEUROPATHY, TYPE 2Z. Identifiers: Orphanet 466768, MedGen C5569025, MONDO:0014736, OMIM 616688.

Allele frequency attached by ClinVar (database versions not stated): ExAC 0.00001; gnomAD 0.00001; gnomAD exomes 0.00001 and 0.00003; TOPMed 0.00002.
gnomAD v4.1: 47 of 1,568,224 alleles (0.003%); highest among the groups gnomAD compares: African/African-American, 0.0055%; no homozygotes.

Submissions (3):

Labcorp Genetics (formerly Invitae), Labcorp
Classification: Uncertain significance for Charcot-Marie-Tooth disease axonal type 2Z. Last evaluated: 2025-08-24. Review status: criteria provided, single submitter. Criteria: Invitae Variant Classification Sherloc (09022015). Collection method: clinical testing. Allele origin: germline.
Comment: This sequence change replaces arginine, which is basic and polar, with glutamine, which is neutral and polar, at codon 59 of the MORC2 protein (p.Arg59Gln). The frequency data for this variant in the population databases is considered unreliable, as metrics indicate poor data quality at this position in the gnomAD database. This variant has not been reported in the literature in individuals affected with MORC2-related conditions. ClinVar contains an entry for this variant (Variation ID: 968458). Invitae Evidence Modeling of protein sequence and biophysical properties (such as structural, functional, and spatial information, amino acid conservation, physicochemical variation, residue mobility, and thermodynamic stability) has been performed for this missense variant. However, the output from this modeling did not meet the statistical confidence thresholds required to predict the impact of this variant on MORC2 protein function. In summary, the available evidence is currently insufficient to determine the role of this variant in disease. Therefore, it has been classified as a Variant of Uncertain Significance.

Mayo Clinic Laboratories, Mayo Clinic
Classification: Likely benign. Last evaluated: 2025-03-21. Review status: criteria provided, single submitter. Criteria: ACMG Guidelines, 2015. Collection method: clinical testing. Allele origin: germline. Observed: 1 variant allele.
Comment: BS2, BP4_moderate

CeGaT Center for Human Genetics Tuebingen
Classification: Uncertain significance. Last evaluated: 2024-12-01. Review status: criteria provided, single submitter. Criteria: CeGaT Center For Human Genetics Tuebingen Variant Classification Criteria Version 2. Collection method: clinical testing. Allele origin: germline. Affected: yes. Observed: 1 variant allele.
Comment: MORC2: PP2, BP4